The following is an entry in ClinVar:

NM_004629.2(FANCG):c.1054A>T (p.Ser352Cys)

Gene: FANCG (FA complementation group G; minus strand). Cytogenetic location: 9p13.3.
Variant type: single nucleotide variant.
Coding change: c.1054A>T on transcript NM_004629.2 (MANE Select); coding-DNA position 1054, A replaced by T.
Protein change: p.Ser352Cys; replaces serine 352 with cysteine.
Molecular consequence: missense variant.
Genome position (GRCh38, 1-based): chr9:35,076,454, T>A on the plus strand (A>T on the coding strand, the complement: FANCG is on the minus strand). VCF-style: chr9-35076454-T-A. GRCh37 (hg19) VCF-style: chr9-35076451-T-A.
Other names: short protein forms S352C.
Identifiers: ClinVar variation 3848442 (VCV003848442.1).

ClinVar aggregate classification (germline): Uncertain significance (1 of 4 stars; one submission).

Conditions:
Inborn genetic diseases. Identifiers: MedGen C0950123, MeSH D030342.

Submission:

Ambry Genetics
Classification: Uncertain significance for Inborn genetic diseases. Last evaluated: 2025-02-13. Review status: criteria provided, single submitter. Criteria: Ambry Variant Classification Scheme 2023. Collection method: clinical testing. Allele origin: germline.
Comment: The p.S352C variant (also known as c.1054A>T), located in coding exon 8 of the FANCG gene, results from an A to T substitution at nucleotide position 1054. The serine at codon 352 is replaced by cysteine, an amino acid with dissimilar properties. This amino acid position is conserved. In addition, this alteration is predicted to be tolerated by in silico analysis. Based on the available evidence, the clinical significance of this variant remains unclear.